The following is an entry in ClinVar:

NM_182914.3(SYNE2):c.17773A>G (p.Lys5925Glu)

Gene: SYNE2 (spectrin repeat containing nuclear envelope protein 2; plus strand). Cytogenetic location: 14q23.2.
Variant type: single nucleotide variant.
Coding change: c.17773A>G on transcript NM_182914.3 (MANE Select); coding-DNA position 17773, A replaced by G.
Protein change: p.Lys5925Glu; replaces lysine 5925 with glutamic acid.
Molecular consequence: missense variant.
Genome position (GRCh38, 1-based): chr14:64,188,610, A>G. VCF-style: chr14-64188610-A-G. GRCh37 (hg19) VCF-style: chr14-64655328-A-G.
Other names: c.17773A>G, p.Lys5925Glu (NM_015180.6); short protein forms K5925E.
Identifiers: ClinVar variation 2644307 (VCV002644307.24), dbSNP rs2549790900, ClinGen allele CA389992123.

ClinVar aggregate classification (germline): Uncertain significance (1 of 4 stars; one submission).

Submission:

CeGaT Center for Human Genetics Tuebingen
Classification: Uncertain significance. Last evaluated: 2022-09-01. Review status: criteria provided, single submitter. Criteria: CeGaT Center For Human Genetics Tuebingen Variant Classification Criteria Version 2. Collection method: clinical testing. Allele origin: germline. Affected: yes. Observed: 1 variant allele.
Comment: SYNE2: PM2